The following is an entry in ClinVar:

NM_015512.5(DNAH1):c.4685+3A>T

Gene: DNAH1 (dynein axonemal heavy chain 1; plus strand). Cytogenetic location: 3p21.1.
Variant type: single nucleotide variant.
Coding change: c.4685+3A>T on transcript NM_015512.5 (MANE Select); 3 bases into the intron after coding-DNA position 4685, A replaced by T.
Molecular consequence: intron variant.
Genome position (GRCh38, 1-based): chr3:52,360,427, A>T. VCF-style: chr3-52360427-A-T. GRCh37 (hg19) VCF-style: chr3-52394443-A-T.
Identifiers: ClinVar variation 4989763 (VCV004989763.1).

ClinVar aggregate classification (germline): Likely benign (1 of 4 stars; one submission).

Conditions:
DNAH1-related disorder. Also called: DNAH1-related condition.

gnomAD v4.1: 8 of 1,611,736 alleles (0.0005%); highest among the groups gnomAD compares: Non-Finnish European, 0.00059%; no homozygotes.

Submission:

PreventionGenetics, part of Exact Sciences
Classification: Likely benign for DNAH1-related condition. Last evaluated: 2025-05-30. Review status: criteria provided, single submitter. Criteria: ACMG Guidelines, 2015. Collection method: clinical testing. Allele origin: germline.
Comment: This variant is classified as likely benign based on ACMG/AMP sequence variant interpretation guidelines (Richards et al. 2015 PMID: 25741868, with internal and published modifications).